The following is an entry in ClinVar:

ClinVar aggregate classification (germline): Uncertain significance (1 of 4 stars; one submission).

gnomAD v4.1: 3 of 1,611,024 alleles (0.00019%); highest among the groups gnomAD compares: Non-Finnish European, 0.00025%; no homozygotes.

Submission:

GeneDx
Classification: Uncertain significance. Last evaluated: 2025-03-28. Review status: criteria provided, single submitter. Criteria: GeneDx Variant Classification Process June 2021. Collection method: clinical testing. Allele origin: germline. Affected: yes.
Comment: Not observed at significant frequency in large population cohorts (gnomAD); In silico analysis supports that this missense variant has a deleterious effect on protein structure/function; Has not been previously published as pathogenic or benign to our knowledge; In silico analysis is inconclusive as to whether the variant alters gene splicing. In the absence of RNA/functional studies, the actual effect of this sequence change is unknown.

NM_001024383.2(NAV3):c.2110C>T (p.Arg704Cys)

Gene: NAV3 (neuron navigator 3; plus strand). Cytogenetic location: 12q21.2.
Variant type: single nucleotide variant.
Coding change: c.2110C>T on transcript NM_001024383.2 (MANE Select); coding-DNA position 2110, C replaced by T.
Protein change: p.Arg704Cys; replaces arginine 704 with cysteine.
Molecular consequence: missense variant.
Genome position (GRCh38, 1-based): chr12:78,050,079, C>T. VCF-style: chr12-78050079-C-T. GRCh37 (hg19) VCF-style: chr12-78443859-C-T.
Other names: c.610C>T, p.Arg204Cys (NM_001438019.1); c.2110C>T, p.Arg704Cys (NM_014903.6); short protein forms R204C, R704C.
Identifiers: ClinVar variation 4087852 (VCV004087852.1).